The following is an entry in ClinVar:

NM_001429.4(EP300):c.6582A>G (p.Gln2194=)

Gene: EP300 (EP300 lysine acetyltransferase; plus strand). Cytogenetic location: 22q13.2.
Variant type: single nucleotide variant.
Coding change: c.6582A>G on transcript NM_001429.4 (MANE Select); coding-DNA position 6582, A replaced by G.
Protein change: p.Gln2194=; no amino-acid change (glutamine 2194 retained).
Molecular consequence: synonymous variant.
Genome position (GRCh38, 1-based): chr22:41,178,293, A>G. VCF-style: chr22-41178293-A-G. GRCh37 (hg19) VCF-style: chr22-41574297-A-G.
Other names: c.6504A>G, p.Gln2168= (NM_001362843.2).
Identifiers: ClinVar variation 779847 (VCV000779847.7), dbSNP rs761195313, ClinGen allele CA10253892.

ClinVar aggregate classification (germline): Likely benign. Review status: criteria provided, single submitter (1 of 4 stars). 2 submissions from 2 submitters: Likely benign (1). 1 of the submissions does not count toward it. Last evaluated 2025-02-02.

Conditions:
EP300-related disorder. Also called: EP300-related disorders; EP300-related condition.
Rubinstein-Taybi syndrome due to EP300 haploinsufficiency. Also called: RUBINSTEIN-TAYBI SYNDROME 2; EP300-Related Rubinstein-Taybi Syndrome. Identifiers: Orphanet 353284, Orphanet 783, MedGen C3150941, MONDO:0013364, OMIM 613684.

Allele frequency attached by ClinVar (database versions not stated): gnomAD 0.00001; gnomAD exomes 0.00001 and 0.00005; ExAC 0.00002; TOPMed 0.00003.
gnomAD v4.1: 23 of 1,614,036 alleles (0.0014%); highest among the groups gnomAD compares: East Asian, 0.027%; no homozygotes.

Submissions (2):

Labcorp Genetics (formerly Invitae), Labcorp
Classification: Likely benign for Rubinstein-Taybi syndrome due to EP300 haploinsufficiency. Last evaluated: 2025-02-02. Review status: criteria provided, single submitter. Criteria: Invitae Variant Classification Sherloc (09022015). Collection method: clinical testing. Allele origin: germline.

PreventionGenetics, part of Exact Sciences
Classification: Likely benign for EP300-related condition. Last evaluated: 2023-02-15. Review status: no assertion criteria provided. Collection method: clinical testing. Allele origin: germline. Not counted in ClinVar's aggregate classification.
Comment: This variant is classified as likely benign based on ACMG/AMP sequence variant interpretation guidelines (Richards et al. 2015 PMID: 25741868, with internal and published modifications).